The following is an entry in ClinVar:

ClinVar aggregate classification (germline): Pathogenic/Likely pathogenic. Review status: criteria provided, multiple submitters, no conflicts (2 of 4 stars). 5 submissions from 5 submitters: Pathogenic (4); Likely pathogenic (1). Last evaluated 2026-03-04.

Conditions:
KCNV2-related disorder. Also called: KCNV2-related condition.
Retinal dystrophy. Also called: Inherited retinal dystrophy. Identifiers: Orphanet 71862, MedGen C0854723, MeSH D058499, MONDO:0019118, HP:0000556.

gnomAD v4.1: 15 of 1,613,746 alleles (0.00093%); highest among the groups gnomAD compares: Admixed American, 0.0083%; no homozygotes.

Submissions (5):

PreventionGenetics, part of Exact Sciences
Classification: Pathogenic for KCNV2-related condition. Last evaluated: 2026-03-04. Review status: criteria provided, single submitter. Criteria: ACMG Guidelines, 2015. Collection method: clinical testing. Allele origin: germline.
Comment: The KCNV2 c.1381G>T variant is predicted to result in premature protein termination (p.Gly461*). This variant has been reported along with a second KCNV2 variant in individuals with retinal disease (Robson et al. 2009. PubMed ID: 19952985; Table S3, Falsini et al. 2022. PubMed ID: 35260635; Table S1, Lin et al. 2024. PubMed ID: 38219857). This variant is present in 0.0085% of alleles in individuals of Latino descent in gnomAD. Nonsense variants in KCNV2 are an established mechanism of disease. This variant is interpreted as pathogenic.

GeneDx
Classification: Likely pathogenic. Last evaluated: 2026-01-27. Review status: criteria provided, single submitter. Criteria: GeneDx Variant Classification Process June 2021. Collection method: clinical testing. Allele origin: germline.
Comment: Observed in apparent homozygous state in patients with cone dystrophy and/or retinopathy in the literature and not observed in homozygous state in controls (PMID: 35260635, 38443311); Identified with a second variant in a patient with inherited retinal disease in published literature (PMID: 38219857); Nonsense variant predicted to result in protein truncation, as the last 85 amino acid(s) are lost, and other loss-of-function variants have been reported downstream in HGMD; This variant is associated with the following publications: (PMID: 31964843, 35260635, 19952985, 39792073, 38443311, 38219857)

Labcorp Genetics (formerly Invitae), Labcorp
Classification: Pathogenic. Last evaluated: 2023-04-14. Review status: criteria provided, single submitter. Criteria: Invitae Variant Classification Sherloc (09022015). Collection method: clinical testing. Allele origin: germline.
Comment: For these reasons, this variant has been classified as Pathogenic. This variant disrupts a region of the KCNV2 protein in which other variant(s) (p.Leu469Trpfs*35) have been determined to be pathogenic (PMID: 18400204). This suggests that this is a clinically significant region of the protein, and that variants that disrupt it are likely to be disease-causing. ClinVar contains an entry for this variant (Variation ID: 1367585). This premature translational stop signal has been observed in individual(s) with retinal cone dystrophy (PMID: 19952985). This variant is present in population databases (rs149648640, gnomAD 0.009%). This sequence change creates a premature translational stop signal (p.Gly461*) in the KCNV2 gene. While this is not anticipated to result in nonsense mediated decay, it is expected to disrupt the last 85 amino acid(s) of the KCNV2 protein.

Institute of Human Genetics, Univ. Regensburg, Univ. Regensburg
Classification: Pathogenic for Retinal dystrophy. Last evaluated: 2020-01-01. Review status: criteria provided, single submitter. Criteria: ACMG Guidelines, 2015. Collection method: clinical testing. Allele origin: germline. Affected: yes.

Blueprint Genetics
Classification: Pathogenic for KCNV2-related disorders. Last evaluated: 2019-12-09. Review status: criteria provided, single submitter. Criteria: ACMG Guidelines, 2015. Collection method: clinical testing. Allele origin: germline. Affected: yes. Observed: 2 variant alleles.

Literature cited by the submitters: PubMed 18400204 (cited by Labcorp Genetics (formerly Invitae), Labcorp); PubMed 19952985 (cited by Labcorp Genetics (formerly Invitae), Labcorp and Institute of Human Genetics, Univ. Regensburg, Univ. Regensburg); PubMed 31964843 (cited by Institute of Human Genetics, Univ. Regensburg, Univ. Regensburg); PubMed 35260635 (cited by Institute of Human Genetics, Univ. Regensburg, Univ. Regensburg).

NM_133497.4(KCNV2):c.1381G>T (p.Gly461Ter)

Gene: KCNV2 (potassium voltage-gated channel modifier subfamily V member 2; plus strand). Cytogenetic location: 9p24.2.
Variant type: single nucleotide variant.
Coding change: c.1381G>T on transcript NM_133497.4 (MANE Select); coding-DNA position 1381, G replaced by T.
Protein change: p.Gly461Ter; replaces glycine 461 with a stop codon.
Molecular consequence: nonsense.
Genome position (GRCh38, 1-based): chr9:2,729,470, G>T. VCF-style: chr9-2729470-G-T. GRCh37 (hg19) VCF-style: chr9-2729470-G-T.
Other names: c.1381G>T (NM_133497.3); short protein forms G461*.
Identifiers: ClinVar variation 1367585 (VCV001367585.13), dbSNP rs149648640, ClinGen allele CA4965906.